The following is an entry in ClinVar:

NM_015338.6(ASXL1):c.4303A>G (p.Ser1435Gly)

Gene: ASXL1 (ASXL transcriptional regulator 1; plus strand). Cytogenetic location: 20q11.21.
Variant type: single nucleotide variant.
Coding change: c.4303A>G on transcript NM_015338.6 (MANE Select); coding-DNA position 4303, A replaced by G.
Protein change: p.Ser1435Gly; replaces serine 1435 with glycine.
Molecular consequence: missense variant.
Genome position (GRCh38, 1-based): chr20:32,437,015, A>G. VCF-style: chr20-32437015-A-G. GRCh37 (hg19) VCF-style: chr20-31024818-A-G.
Other names: c.4120A>G, p.Ser1374Gly (NM_001363734.1); short protein forms S1374G, S1435G.
Identifiers: ClinVar variation 4843675 (VCV004843675.1).

ClinVar aggregate classification (germline): Uncertain significance (1 of 4 stars; one submission).

Conditions:
Inborn genetic diseases. Identifiers: MedGen C0950123, MeSH D030342.

gnomAD v4.1: 1 of 1,614,086 alleles (0.000062%); highest among the groups gnomAD compares: South Asian, 0.0011%; no homozygotes.

Submission:

Ambry Genetics
Classification: Uncertain significance for Inborn genetic diseases. Last evaluated: 2026-01-13. Review status: criteria provided, single submitter. Criteria: Ambry Variant Classification Scheme 2023. Collection method: clinical testing. Allele origin: germline.
Comment: The p.S1435G variant (also known as c.4303A>G), located in coding exon 13 of the ASXL1 gene, results from an A to G substitution at nucleotide position 4303. The serine at codon 1435 is replaced by glycine, an amino acid with similar properties. This amino acid position is conserved. In addition, this alteration is predicted to be tolerated by in silico analysis. Based on the available evidence, the clinical significance of this variant remains unclear.